The following is an entry in ClinVar:

ClinVar aggregate classification (germline): Uncertain significance (1 of 4 stars; one submission).

Submission:

CeGaT Center for Human Genetics Tuebingen
Classification: Uncertain significance. Last evaluated: 2023-02-01. Review status: criteria provided, single submitter. Criteria: CeGaT Center For Human Genetics Tuebingen Variant Classification Criteria Version 2. Collection method: clinical testing. Allele origin: germline. Affected: yes. Observed: 1 variant allele.
Comment: ADGB: PM2

NM_024694.4(ADGB):c.4985del (p.Lys1662fs)

Gene: ADGB (androglobin; plus strand). Cytogenetic location: 6q24.3.
Variant type: Deletion.
Coding change: c.4985del on transcript NM_024694.4 (MANE Select); coding-DNA position 4985, one base deleted (A; older notation c.4985delA).
Protein change: p.Lys1662fs; shifts the reading frame from lysine 1662.
Molecular consequence: frameshift variant.
Genome position (GRCh38, 1-based): chr6:146,815,198, A deleted; the last of 8 consecutive A bases (chr6:146,815,191-146,815,198); deleting any one gives the same sequence. VCF-style (leftmost placement, unchanged base first): chr6-146815190-GA-G. GRCh37 (hg19) VCF-style: chr6-147136326-GA-G.
Other names: short protein forms K1662fs.
Identifiers: ClinVar variation 2656979 (VCV002656979.24), dbSNP rs777137203, ClinGen allele CA452478534.
Genomic context (GRCh38, chr6:146,815,190, plus strand): 5'-TGCTCAGGAAGCAGCCATGAAGCTGGAGACAGAAAAGATGACCCCAGCTCCTGACACACA[GA>G]AAAAAAAGAAAGGAAAGAAAAAGTAACCAGGGGATGTCCAATACTACCCTGCTTCTGGAG-3'